The following is an entry in ClinVar:

ClinVar aggregate classification (germline): Uncertain significance (1 of 4 stars; one submission).

Conditions:
Dyskeratosis congenita, autosomal recessive 5 (DKCB5). Identifiers: MedGen C3554656, MONDO:0014076, OMIM 615190.
Pulmonary fibrosis and/or bone marrow failure, Telomere-related, 3. Also called: PULMONARY FIBROSIS AND/OR BONE MARROW FAILURE SYNDROME, TELOMERE-RELATED, 3. Identifiers: Orphanet 2032, MedGen C4225346, MONDO:0014613, OMIM 616373.

Allele frequency attached by ClinVar (database versions not stated): TOPMed below 0.00001.

Submission:

Labcorp Genetics (formerly Invitae), Labcorp
Classification: Uncertain significance for Dyskeratosis congenita, autosomal recessive 5; Pulmonary fibrosis and/or bone marrow failure, Telomere-related, 3. Last evaluated: 2021-08-26. Review status: criteria provided, single submitter. Criteria: Invitae Variant Classification Sherloc (09022015). Collection method: clinical testing. Allele origin: germline.
Comment: This sequence change replaces alanine with valine at codon 1281 of the RTEL1 protein (p.Ala1281Val). The alanine residue is weakly conserved and there is a small physicochemical difference between alanine and valine. This variant is not present in population databases (ExAC no frequency). This variant has not been reported in the literature in individuals affected with RTEL1-related conditions. Algorithms developed to predict the effect of missense changes on protein structure and function (SIFT, PolyPhen-2, Align-GVGD) all suggest that this variant is likely to be tolerated. In summary, the available evidence is currently insufficient to determine the role of this variant in disease. Therefore, it has been classified as a Variant of Uncertain Significance.

NM_001283009.2(RTEL1):c.3842C>T (p.Ala1281Val)

Genes: RTEL1 (regulator of telomere elongation helicase 1; plus strand), RTEL1-TNFRSF6B (RTEL1-TNFRSF6B readthrough (NMD candidate); plus strand). Cytogenetic location: 20q13.33.
Variant type: single nucleotide variant.
Coding change: c.3842C>T on transcript NM_001283009.2 (MANE Select); coding-DNA position 3842, C replaced by T.
Protein change: p.Ala1281Val; replaces alanine 1281 with valine.
Molecular consequence: missense variant. On other transcripts: non-coding transcript variant (1), 3 prime UTR variant (3).
Genome position (GRCh38, 1-based): chr20:63,695,797, C>T. VCF-style: chr20-63695797-C-T. GRCh37 (hg19) VCF-style: chr20-62327150-C-T.
Other names: c.*12C>T (NM_001283010.1, NM_016434.4, NM_032957.5); short protein forms A1281V.
Identifiers: ClinVar variation 1014558 (VCV001014558.6), dbSNP rs1601201761, ClinGen allele CA409710446.